The following is an entry in ClinVar:

ClinVar aggregate classification (germline): Uncertain significance (1 of 4 stars; one submission).

Submission:

Labcorp Genetics (formerly Invitae), Labcorp
Classification: Uncertain significance. Last evaluated: 2023-06-16. Review status: criteria provided, single submitter. Criteria: Invitae Variant Classification Sherloc (09022015). Collection method: clinical testing. Allele origin: germline.
Comment: This variant has not been reported in the literature in individuals affected with JAK2-related conditions. This variant is not present in population databases (gnomAD no frequency). This sequence change replaces asparagine, which is neutral and polar, with threonine, which is neutral and polar, at codon 83 of the JAK2 protein (p.Asn83Thr). Advanced modeling of protein sequence and biophysical properties (such as structural, functional, and spatial information, amino acid conservation, physicochemical variation, residue mobility, and thermodynamic stability) performed at Invitae indicates that this missense variant is not expected to disrupt JAK2 protein function. In summary, the available evidence is currently insufficient to determine the role of this variant in disease. Therefore, it has been classified as a Variant of Uncertain Significance.

NM_004972.4(JAK2):c.248A>C (p.Asn83Thr)

Genes: INSL6 (insulin like 6; minus strand), JAK2 (Janus kinase 2; plus strand). Cytogenetic location: 9p24.1.
Variant type: single nucleotide variant.
Coding change: c.248A>C on transcript NM_004972.4 (MANE Select); coding-DNA position 248, A replaced by C.
Protein change: p.Asn83Thr; replaces asparagine 83 with threonine.
Molecular consequence: missense variant. On other transcripts: 5 prime UTR variant (2), non-coding transcript variant (2).
Genome position (GRCh38, 1-based): chr9:5,029,804, A>C. VCF-style: chr9-5029804-A-C. GRCh37 (hg19) VCF-style: chr9-5029804-A-C.
Other names: c.248A>C, p.Asn83Thr (NM_001322194.2, NM_001322195.2, NM_001322196.2); c.-873A>C (NM_001322198.2, NM_001322199.2); short protein forms N83T.
Identifiers: ClinVar variation 2860937 (VCV002860937.3), dbSNP rs2488878863, ClinGen allele CA372821904.